The following is an entry in ClinVar:

NM_005670.4(EPM2A):c.129C>G (p.Ala43=)

Genes: EPM2A (EPM2A glucan phosphatase, laforin; minus strand), EPM2A-DT (EPM2A divergent transcript; plus strand), LOC129997381 (ATAC-STARR-seq lymphoblastoid silent region 17642; plus strand). Cytogenetic location: 6q24.3.
Variant type: single nucleotide variant.
Coding change: c.129C>G on transcript NM_005670.4 (MANE Select); coding-DNA position 129, C replaced by G.
Protein change: p.Ala43=; no amino-acid change (alanine 43 retained).
Molecular consequence: synonymous variant. On other transcripts: 5 prime UTR variant (3), intron variant (1).
Genome position (GRCh38, 1-based): chr6:145,735,370, G>C on the plus strand (C>G on the coding strand, the complement: EPM2A is on the minus strand). VCF-style: chr6-145735370-G-C. GRCh37 (hg19) VCF-style: chr6-146056506-G-C.
Other names: p.A43A:GCC>GCG; p.Ala43=; c.129C>G, p.Ala43= (NM_001018041.2, NM_001360057.2, NM_001368130.1); c.-541C>G (NM_001360071.2); c.-495C>G (NM_001368129.2); c.-239C>G (NM_001368131.1); c.-114+538C>G (NM_001360064.2).
Identifiers: ClinVar variation 137223 (VCV000137223.22), dbSNP rs547147183, ClinGen allele CA232479.

ClinVar aggregate classification (germline): Conflicting classifications of pathogenicity. Review status: criteria provided, conflicting classifications (1 of 4 stars). 6 submissions from 6 submitters: Uncertain significance (1); Benign (1); Likely benign (4). Last evaluated 2026-02-03.

Conditions:
Inborn genetic diseases. Identifiers: MedGen C0950123, MeSH D030342.
Progressive myoclonic epilepsy. Also called: Myoclonic Epilepsies, Progressive; Myoclonus epilepsy; Progressive myoclonus epilepsy; Familial progressive myoclonic epilepsy. Identifiers: Orphanet 308, Orphanet 98261, MedGen C0751778, MONDO:0020074.

Allele frequency attached by ClinVar (database versions not stated): gnomAD exomes 0.00018; TOPMed 0.00126; gnomAD 0.00134 and 0.00145; 1000 Genomes Project 0.00220.
gnomAD v4.1: 314 of 1,250,822 alleles (0.025%); highest among the groups gnomAD compares: African/African-American, 0.42%; no homozygotes.

Submissions (6):

Labcorp Genetics (formerly Invitae), Labcorp
Classification: Likely benign for Progressive myoclonic epilepsy. Last evaluated: 2026-02-03. Review status: criteria provided, single submitter. Criteria: Invitae Variant Classification Sherloc (09022015). Collection method: clinical testing. Allele origin: germline.

Mayo Clinic Laboratories, Mayo Clinic
Classification: Likely benign. Last evaluated: 2025-10-06. Review status: criteria provided, single submitter. Criteria: ACMG Guidelines, 2015. Collection method: clinical testing. Allele origin: germline. Observed: 1 variant allele.
Comment: BS1, BP4, BP7

Blueprint Genetics
Classification: Likely benign. Last evaluated: 2024-07-11. Review status: criteria provided, single submitter. Criteria: ACMG Guidelines, 2015. Collection method: clinical testing. Allele origin: germline.

Eurofins Ntd Llc (ga)
Classification: Uncertain significance. Last evaluated: 2018-05-15. Review status: criteria provided, single submitter. Criteria: EGL ClinVar v180209 classification definitions. Collection method: clinical testing. Allele origin: germline. Observed: 3 variant alleles, 3 heterozygotes.

Ambry Genetics
Classification: Likely benign for Inborn genetic diseases. Last evaluated: 2016-05-02. Review status: criteria provided, single submitter. Criteria: Ambry Variant Classification Scheme 2023. Collection method: clinical testing. Allele origin: germline.

GeneDx
Classification: Benign. Last evaluated: 2013-09-24. Review status: criteria provided, single submitter. Criteria: GeneDx Variant Classification (06012015). Collection method: clinical testing. Allele origin: germline. Affected: yes.
Comment: This variant is considered likely benign or benign based on one or more of the following criteria: it is a conservative change, it occurs at a poorly conserved position in the protein, it is predicted to be benign by multiple in silico algorithms, and/or has population frequency not consistent with disease.